The following is an entry in ClinVar:

NM_001379200.1(TBX1):c.1368C>A (p.His456Gln)

Gene: TBX1 (T-box transcription factor 1; plus strand). Cytogenetic location: 22q11.21.
Variant type: single nucleotide variant.
Coding change: c.1368C>A on transcript NM_001379200.1 (MANE Select); coding-DNA position 1368, C replaced by A.
Protein change: p.His456Gln; replaces histidine 456 with glutamine.
Molecular consequence: missense variant. On other transcripts: intron variant (2).
Genome position (GRCh38, 1-based): chr22:19,766,720, C>A. VCF-style: chr22-19766720-C-A. GRCh37 (hg19) VCF-style: chr22-19754243-C-A.
Other names: c.1341C>A, p.His447Gln (NM_080647.1); c.1009+718C>A (NM_005992.1, NM_080646.2); short protein forms H447Q, H456Q.
Identifiers: ClinVar variation 642145 (VCV000642145.8), dbSNP rs1601294758, ClinGen allele CA410685159.

ClinVar aggregate classification (germline): Uncertain significance (1 of 4 stars; one submission).

Conditions:
DiGeorge syndrome. Also called: THIRD AND FOURTH PHARYNGEAL POUCH SYNDROME; Catch22. Identifiers: Orphanet 567, MedGen C0012236, MONDO:0008564, OMIM 188400.

gnomAD v4.1: 4 of 1,542,774 alleles (0.00026%); highest among the groups gnomAD compares: Non-Finnish European, 0.00035%; no homozygotes.

Submission:

Labcorp Genetics (formerly Invitae), Labcorp
Classification: Uncertain significance for DiGeorge syndrome. Last evaluated: 2018-12-20. Review status: criteria provided, single submitter. Criteria: Invitae Variant Classification Sherloc (09022015). Collection method: clinical testing. Allele origin: germline.
Comment: This variant has not been reported in the literature in individuals with TBX1-related conditions. This sequence change replaces histidine with glutamine at codon 447 of the TBX1 protein (p.His447Gln). The histidine residue is highly conserved and there is a small physicochemical difference between histidine and glutamine. This variant is not present in population databases (ExAC no frequency). Algorithms developed to predict the effect of missense changes on protein structure and function are either unavailable or do not agree on the potential impact of this missense change (SIFT: "Deleterious"; PolyPhen-2: "Possibly Damaging"; Align-GVGD: "Class C0"). In summary, the available evidence is currently insufficient to determine the role of this variant in disease. Therefore, it has been classified as a Variant of Uncertain Significance.